The following is an entry in ClinVar:

ClinVar aggregate classification (germline): Pathogenic (1 of 4 stars; one submission).

Submission:

Labcorp Genetics (formerly Invitae), Labcorp
Classification: Pathogenic. Last evaluated: 2021-06-07. Review status: criteria provided, single submitter. Criteria: Invitae Variant Classification Sherloc (09022015). Collection method: clinical testing. Allele origin: germline.
Comment: This sequence change creates a premature translational stop signal (p.Asn413Thrfs*31) in the MME gene. It is expected to result in an absent or disrupted protein product. Loss-of-function variants in MME are known to be pathogenic (PMID: 26991897). This variant is not present in population databases (ExAC no frequency). This variant has not been reported in the literature in individuals with MME-related conditions. For these reasons, this variant has been classified as Pathogenic.

Literature cited by the submitters: PubMed 26991897.

NM_007289.4(MME):c.1238del (p.Asn413fs)

Gene: MME (membrane metalloendopeptidase; plus strand). Cytogenetic location: 3q25.2.
Variant type: Deletion.
Coding change: c.1238del on transcript NM_007289.4 (MANE Select); coding-DNA position 1238, one base deleted (A; older notation c.1238delA).
Protein change: p.Asn413fs; shifts the reading frame from asparagine 413.
Molecular consequence: frameshift variant.
Genome position (GRCh38, 1-based): chr3:155,143,492, A deleted; the last of 3 consecutive A bases (chr3:155,143,490-155,143,492); deleting any one gives the same sequence. VCF-style (leftmost placement, unchanged base first): chr3-155143489-CA-C. GRCh37 (hg19) VCF-style: chr3-154861278-CA-C.
Other names: c.1238del, p.Asn413fs (NM_000902.5, NM_001354642.2, NM_001354643.1 and 2 more transcripts); short protein forms N413fs.
Identifiers: ClinVar variation 1455495 (VCV001455495.6), dbSNP rs2108315303, ClinGen allele CA2573136629.
Genomic context (GRCh38, chr3:155,143,489, plus strand): 5'-TTTCTTTTCCGTAGGCCCTTTATGGTACAACCTCAGAAACAGCAACTTGGAGACGTTGTG[CA>C]AACTATGTCAATGGGAATATGGAAAATGCTGTGGGGAGGCTTTATGTGGAAGCAGCATTT-3'